The following is an entry in ClinVar:

ClinVar aggregate classification (germline): Uncertain significance (1 of 4 stars; one submission).

Conditions:
Hereditary spastic paraplegia 39 (SPG39). Also called: SPASTIC PARAPLEGIA 39, AUTOSOMAL RECESSIVE; Spastic Paraplegia Type 39 (SPG39). Identifiers: Orphanet 139480, MedGen C2677586, MONDO:0012787, OMIM 612020.

Submission:

Labcorp Genetics (formerly Invitae), Labcorp
Classification: Uncertain significance for Hereditary spastic paraplegia 39. Last evaluated: 2022-07-19. Review status: criteria provided, single submitter. Criteria: Invitae Variant Classification Sherloc (09022015). Collection method: clinical testing. Allele origin: germline.
Comment: This variant is present in population databases (no rsID available, gnomAD 0.09%). This sequence change replaces leucine, which is neutral and non-polar, with glycine, which is neutral and non-polar, at codon 5 of the PNPLA6 protein (p.Leu5Gly). This variant has not been reported in the literature in individuals affected with PNPLA6-related conditions. ClinVar contains an entry for this variant (Variation ID: 843409). Algorithms developed to predict the effect of missense changes on protein structure and function are either unavailable or do not agree on the potential impact of this missense change (SIFT: "Not Available"; PolyPhen-2: "Probably Damaging"; Align-GVGD: "Not Available"). In summary, the available evidence is currently insufficient to determine the role of this variant in disease. Therefore, it has been classified as a Variant of Uncertain Significance.

NC_000019.10:g.7535563_7535564delinsGG

Genes: PNPLA6 (patatin like domain 6, lysophospholipase; plus strand), LOC130063377 (ATAC-STARR-seq lymphoblastoid active region 13887; plus strand). Cytogenetic location: 19p13.2.
Variant type: Indel.
Molecular consequence: missense variant (on NM_001166111.2).
Genome position: GRCh38 VCF-style: chr19-7535563-CT-GG. GRCh37 (hg19) VCF-style: chr19-7600449-CT-GG.
Other names: c.13_14delinsGG, p.Leu5Gly (NM_001166111.2, NM_001166112.2, NM_001166113.1 and 1 more transcripts); short protein forms L5G.
Identifiers: ClinVar variation 843409 (VCV000843409.46), dbSNP rs2022812491, ClinGen allele CA916083674.
Genomic context (GRCh38, chr19:7,535,563, plus strand): 5'-TCCCAGGACTCCGGGCTACCAGATCGGCCGTCCAGCTGGAATCAACCGATGGAGGCTCCG[CT>GG]GCAAACTGGAATGGTAAGGGGTGGGGCGGAGACCGGGTAGGTGCCGGCGTGGGGCGCCAA-3'